The following is an entry in ClinVar:

ClinVar aggregate classification (germline): Pathogenic (1 of 4 stars; one submission).

Conditions:
RYR1-related disorder. Also called: RYR1-related condition; RYR1-related disorders. Identifiers: MedGen CN239331.

Submission:

Labcorp Genetics (formerly Invitae), Labcorp
Classification: Pathogenic for RYR1-related disorder. Last evaluated: 2023-01-26. Review status: criteria provided, single submitter. Criteria: Invitae Variant Classification Sherloc (09022015). Collection method: clinical testing. Allele origin: germline.
Comment: This sequence change creates a premature translational stop signal (p.Trp2661*) in the RYR1 gene. It is expected to result in an absent or disrupted protein product. Loss-of-function variants in RYR1 are known to be pathogenic (PMID: 20583297, 20839240, 23919265, 28818389). For these reasons, this variant has been classified as Pathogenic. This variant has not been reported in the literature in individuals affected with RYR1-related conditions. This variant is not present in population databases (gnomAD no frequency).

Literature cited by the submitters: PubMed 20583297; PubMed 20839240; PubMed 23919265; PubMed 28818389.

NM_000540.3(RYR1):c.7983G>A (p.Trp2661Ter)

Gene: RYR1 (ryanodine receptor 1; plus strand). Cytogenetic location: 19q13.2.
Variant type: single nucleotide variant.
Coding change: c.7983G>A on transcript NM_000540.3 (MANE Select); coding-DNA position 7983, G replaced by A.
Protein change: p.Trp2661Ter; replaces tryptophan 2661 with a stop codon.
Molecular consequence: nonsense.
Genome position (GRCh38, 1-based): chr19:38,504,276, G>A. VCF-style: chr19-38504276-G-A. GRCh37 (hg19) VCF-style: chr19-38994916-G-A.
Other names: c.7983G>A, p.Trp2661Ter (NM_001042723.2); short protein forms W2661*.
Identifiers: ClinVar variation 2830106 (VCV002830106.3), dbSNP rs2514351347, ClinGen allele CA405675751.
Genomic context (GRCh38, chr19:38,504,276, plus strand): 5'-CCAGCTCCTCACCAACCACTATGAGCGCTGTTGGAAGTACTACTGCCTACCCACGGGCTG[G>A]GCCAACTTCGGGGTCACCTCAGAGGAGGAGCTGCACCTCACACGGAAACTCTTCTGGGGC-3'